The following is an entry in ClinVar:

NM_018240.7(KIRREL1):c.1718C>T (p.Ser573Leu)

Genes: KIRREL1 (kirre like nephrin family adhesion molecule 1; plus strand), LOC126805884 (BRD4-independent group 4 enhancer GRCh37_chr1:158063276-158064475; plus strand). Cytogenetic location: 1q23.1.
Variant type: single nucleotide variant.
Coding change: c.1718C>T on transcript NM_018240.7 (MANE Select); coding-DNA position 1718, C replaced by T.
Protein change: p.Ser573Leu; replaces serine 573 with leucine.
Molecular consequence: missense variant.
Genome position (GRCh38, 1-based): chr1:158,093,761, C>T. VCF-style: chr1-158093761-C-T. GRCh37 (hg19) VCF-style: chr1-158063551-C-T.
Other names: S573L; c.1418C>T, p.Ser473Leu (NM_001286349.2); short protein forms S473L.
Identifiers: ClinVar variation 998096 (VCV000998096.3), dbSNP rs139995772, ClinGen allele CA1177752.

ClinVar aggregate classification (germline): Conflicting classifications of pathogenicity. Review status: criteria provided, conflicting classifications (1 of 4 stars). 3 submissions from 3 submitters: Likely pathogenic (1); Uncertain significance (1). 1 of the submissions does not count toward it. Last evaluated 2025-09-20.

Conditions:
KIRREL1-related disorder. Also called: KIRREL1-related condition.
Nephrotic syndrome, type 23. Identifiers: MedGen C5543092, MONDO:0030962, OMIM 619201.

Allele frequency attached by ClinVar (database versions not stated): ExAC 0.00076; gnomAD exomes 0.00082 and 0.00113; gnomAD 0.00086 and 0.00087; ESP Exome Variant Server 0.00092; TOPMed 0.00096; 1000 Genomes Project 0.00100; 1000 Genomes Project 30x 0.00109.
gnomAD v4.1: 1,794 of 1,614,092 alleles (0.11%); highest among the groups gnomAD compares: Admixed American, 0.17%; 5 homozygotes.

Submissions (3):

PreventionGenetics, part of Exact Sciences
Classification: Uncertain significance for KIRREL1-related condition. Last evaluated: 2025-09-20. Review status: criteria provided, single submitter. Criteria: ACMG Guidelines, 2015. Collection method: clinical testing. Allele origin: germline.
Comment: The KIRREL1 c.1718C>T variant is predicted to result in the amino acid substitution p.Ser573Leu. In vitro characterization of the variant showed that it leads to a mislocalized KIRREL1 protein (Solanki et al. 2019. PubMed ID: 31472902). However, the effect of this variant on YAP phosphorylation was similar to wild type in a mouse model examining the role of KIRREL1 in the Hippo tumor suppressor pathway (Gu et al. 2022. PubMed ID: 36044856). This variant is reported in 0.17% of alleles in individuals of Latino descent in gnomAD and it's been seen, homozygous, in one individual of Non-Finnish European descent in gnomAD. At this time, the clinical significance of this variant is uncertain due to the absence of conclusive functional and genetic evidence.

First Genomix Gene Laboratory, Genetic Diagnostics Department
Classification: Likely pathogenic for Nephrotic syndrome, type 23. Last evaluated: 2025-08-05. Review status: criteria provided, single submitter. Criteria: ACMG Guidelines, 2015. Collection method: clinical testing. Allele origin: germline. Inheritance: Autosomal recessive inheritance. Affected: no. Observed: 1 variant allele.

OMIM
Classification: Pathogenic for NEPHROTIC SYNDROME, TYPE 23. Last evaluated: 2021-03-02. Review status: no assertion criteria provided. Collection method: literature only. Allele origin: germline. Not counted in ClinVar's aggregate classification.

Literature cited by the submitters: PubMed 31472902 (cited by OMIM).